The following is an entry in ClinVar:

ClinVar aggregate classification (germline): Pathogenic (1 of 4 stars; one submission).

Conditions:
Junctional epidermolysis bullosa. Identifiers: Orphanet 305, MedGen C0079301, MONDO:0017612.

Submission:

Myriad Genetics, Inc.
Classification: Pathogenic for Junctional epidermolysis bullosa. Last evaluated: 2025-12-22. Review status: criteria provided, single submitter. Criteria: Myriad Autosomal Dominant, Autosomal Recessive and X-Linked Classification Criteria (2023). Collection method: clinical testing. Allele origin: unknown.
Comment: NM_000228.2(LAMB3):c.366_370del5ins2(E122_Q124delinsD*) is a frameshift variant classified as pathogenic in the context of junctional epidermolysis bullosa, LAMB3-related. E122_Q124delinsD* has not been observed in cases with relevant disease. Relevant functional assessments of this variant are not available in the literature. E122_Q124delinsD* has not been observed in referenced population frequency databases. In summary, NM_000228.2(LAMB3):c.366_370del5ins2(E122_Q124delinsD*) is a frameshift variant in a gene where loss of function is a known mechanism of disease and is predicted to disrupt protein function. Please note: this variant was assessed in the context of healthy population screening.

NM_000228.3(LAMB3):c.366_370delinsTT (p.Glu122_Gln124delinsAspTer)

Gene: LAMB3 (laminin subunit beta 3; minus strand). Cytogenetic location: 1q32.2.
Variant type: Indel.
Coding change: c.366_370delinsTT on transcript NM_000228.3 (MANE Select); coding-DNA positions 366 to 370, GTTCC replaced by TT.
Protein change: p.Glu122_Gln124delinsAspTer.
Molecular consequence: nonsense.
Genome position (GRCh38, 1-based): chr1:209,637,910-209,637,914, GGAAC replaced by AA on the plus strand (GTTCC replaced by TT on the coding strand, the reverse complement: LAMB3 is on the minus strand). VCF-style: chr1-209637910-GGAAC-AA. GRCh37 (hg19) VCF-style: chr1-209811255-GGAAC-AA.
Other names: c.366_370delinsTT, p.Glu122_Gln124delinsAspTer (NM_001017402.2, NM_001127641.1).
Identifiers: ClinVar variation 5003312 (VCV005003312.1).